The following is an entry in ClinVar:

ClinVar aggregate classification (germline): Likely pathogenic. Review status: criteria provided, multiple submitters, no conflicts (2 of 4 stars). 3 submissions from 3 submitters: Likely pathogenic (2). 1 of the submissions does not count toward it. Last evaluated 2022-05-06.

Conditions:
Hyperinsulinemic hypoglycemia, familial, 1 (HHF1). Also called: HYPERINSULINISM, FAMILIAL, WITH PANCREATIC NESIDIOBLASTOSIS; HYPOGLYCEMIA, HYPERINSULINEMIC, OF INFANCY; Persistent hyperinsulinemic hypoglycemia of infancy; NESIDIOBLASTOSIS OF PANCREAS; Persistent Hyperinsulinemia Hypoglycemia of Infancy. Identifiers: Orphanet 276575, Orphanet 276598, MedGen C2931832, MONDO:0009734, OMIM 256450.

Submissions (3):

Labcorp Genetics (formerly Invitae), Labcorp
Classification: Likely pathogenic. Last evaluated: 2022-05-06. Review status: criteria provided, single submitter. Criteria: Invitae Variant Classification Sherloc (09022015). Collection method: clinical testing. Allele origin: germline.
Comment: Algorithms developed to predict the effect of sequence changes on RNA splicing suggest that this variant may disrupt the consensus splice site. This sequence change affects a donor splice site in intron 1 of the ABCC8 gene. It is expected to disrupt RNA splicing. Variants that disrupt the donor or acceptor splice site typically lead to a loss of protein function (PMID: 16199547), and loss-of-function variants in ABCC8 are known to be pathogenic (PMID: 20685672, 23345197). This variant is not present in population databases (gnomAD no frequency). This variant has not been reported in the literature in individuals affected with ABCC8-related conditions. ClinVar contains an entry for this variant (Variation ID: 551698). In summary, the currently available evidence indicates that the variant is pathogenic, but additional data are needed to prove that conclusively. Therefore, this variant has been classified as Likely Pathogenic.

Neuberg Centre For Genomic Medicine, NCGM
Classification: Likely pathogenic for Hyperinsulinemic hypoglycemia, familial, 1. Review status: criteria provided, single submitter. Criteria: ACMG Guidelines, 2015. Collection method: clinical testing. Allele origin: germline. Inheritance: Autosomal dominant inheritance. Affected: yes.

Counsyl
Classification: Likely pathogenic for Hyperinsulinemic hypoglycemia, familial, 1. Last evaluated: 2017-05-01. Review status: no assertion criteria provided. Collection method: clinical testing. Allele origin: unknown. Not counted in ClinVar's aggregate classification.

Literature cited by the submitters: PubMed 16199547 (cited by Labcorp Genetics (formerly Invitae), Labcorp); PubMed 20685672 (cited by Labcorp Genetics (formerly Invitae), Labcorp); PubMed 23345197 (cited by Labcorp Genetics (formerly Invitae), Labcorp).

NM_000352.6(ABCC8):c.148+2T>G

Gene: ABCC8 (ATP binding cassette subfamily C member 8; minus strand). Cytogenetic location: 11p15.1.
Variant type: single nucleotide variant.
Coding change: c.148+2T>G on transcript NM_000352.6 (MANE Select); the canonical splice donor site of the intron after coding-DNA position 148, T replaced by G.
Molecular consequence: splice donor variant.
Genome position (GRCh38, 1-based): chr11:17,476,627, A>C on the plus strand (T>G on the coding strand, the complement: ABCC8 is on the minus strand). VCF-style: chr11-17476627-A-C. GRCh37 (hg19) VCF-style: chr11-17498174-A-C.
Other names: c.148+2T>G (NM_001351297.2, NM_001351296.2, NM_001351295.2 and 1 more transcripts).
Identifiers: ClinVar variation 551698 (VCV000551698.9), dbSNP rs1554949176, ClinGen allele CA379789720.